The following is an entry in ClinVar:

ClinVar aggregate classification (germline): Benign. Review status: criteria provided, single submitter (1 of 4 stars). 4 submissions from 1 submitter: Benign (4). Last evaluated 2018-01-13.

Conditions:
Trigonocephaly 1 (TRIGNO1). Identifiers: Orphanet 3366, MedGen C0432122, MONDO:0008603, OMIM 190440.
Craniosynostosis syndrome. Also called: Craniosynostosis. Identifiers: Orphanet 1531, MedGen C0010278, MeSH D003398, MONDO:0015469, HP:0001363.
Osteoglophonic dysplasia (OGD). Also called: Osteoglophonic dwarfism. Identifiers: Orphanet 2645, MedGen C0432283, MONDO:0008150, OMIM 166250.
Hypogonadotropic hypogonadism 2 with or without anosmia (HH2). Also called: HYPOGONADOTROPIC HYPOGONADISM 2 WITH OR WITHOUT ANOSMIA, SUSCEPTIBILITY TO; HYPOGONADOTROPIC HYPOGONADISM 2 WITHOUT ANOSMIA, SUSCEPTIBILITY TO; FGFR1-Related GnRH Deficiency (Kallmann Syndrome 2); HYPOGONADOTROPIC HYPOGONADISM 2 WITHOUT ANOSMIA. Identifiers: Orphanet 478, MedGen C1563720, MONDO:0007844, OMIM 147950. Disease mechanism: loss of function.

Allele frequency attached by ClinVar (database versions not stated): gnomAD 0.00103 and 0.00112; TOPMed 0.00189; 1000 Genomes Project 0.00260; 1000 Genomes Project 30x 0.00328.
gnomAD v4.1: 236 of 221,346 alleles (0.11%); highest among the groups gnomAD compares: Admixed American, 0.93%; 1 homozygote.

Submissions (4):

Illumina Laboratory Services, Illumina
Classification: Benign for Osteoglophonic dysplasia. Last evaluated: 2018-01-13. Review status: criteria provided, single submitter. Criteria: ICSL Variant Classification Criteria 13 December 2019. Collection method: clinical testing. Allele origin: germline.
Comment: This variant was observed in the ICSL laboratory as part of a predisposition screen in an ostensibly healthy population. It had not been previously curated by ICSL or reported in the Human Gene Mutation Database (HGMD: prior to June 1st, 2018), and was therefore a candidate for classification through an automated scoring system. Utilizing variant allele frequency, disease prevalence and penetrance estimates, and inheritance mode, an automated score was calculated to assess if this variant is too frequent to cause the disease. Based on the score and internal cut-off values, a variant classified as benign is not then subjected to further curation. The score for this variant resulted in a classification of benign for this disease.

Illumina Laboratory Services, Illumina
Classification: Benign for Trigonocephaly 1. Last evaluated: 2018-01-13. Review status: criteria provided, single submitter. Criteria: ICSL Variant Classification Criteria 13 December 2019. Collection method: clinical testing. Allele origin: germline.
Comment: the same text as in the submission from Illumina Laboratory Services, Illumina above.

Illumina Laboratory Services, Illumina
Classification: Benign for Craniosynostosis. Last evaluated: 2018-01-13. Review status: criteria provided, single submitter. Criteria: ICSL Variant Classification Criteria 13 December 2019. Collection method: clinical testing. Allele origin: germline.
Comment: the same text as in the submission from Illumina Laboratory Services, Illumina above.

Illumina Laboratory Services, Illumina
Classification: Benign for Hypogonadotropic hypogonadism 2 with or without anosmia. Last evaluated: 2018-01-13. Review status: criteria provided, single submitter. Criteria: ICSL Variant Classification Criteria 13 December 2019. Collection method: clinical testing. Allele origin: germline.
Comment: the same text as in the submission from Illumina Laboratory Services, Illumina above.

NM_023110.3(FGFR1):c.-124G>A

Genes: FGFR1 (fibroblast growth factor receptor 1; minus strand), LOC130000232 (ATAC-STARR-seq lymphoblastoid silent region 19128; plus strand). Cytogenetic location: 8p11.23.
Variant type: single nucleotide variant.
Coding change: c.-124G>A on transcript NM_023110.3 (MANE Select); 124 bases upstream of the start codon, G replaced by A.
Molecular consequence: 5 prime UTR variant.
Genome position (GRCh38, 1-based): chr8:38,468,016, C>T on the plus strand (G>A on the coding strand, the complement: FGFR1 is on the minus strand). VCF-style: chr8-38468016-C-T. GRCh37 (hg19) VCF-style: chr8-38325534-C-T.
Other names: c.-124G>A (NM_001174063.2, NM_001354367.2, NM_001354368.2 and 4 more transcripts); c.-216G>A (NM_001174064.2).
Identifiers: ClinVar variation 362912 (VCV000362912.5), dbSNP rs17182079, ClinGen allele CA10630973.